The following is an entry in ClinVar:

NM_002878.4(RAD51D):c.903+9G>A

Genes: RAD51D (RAD51 paralog D; minus strand), RAD51L3-RFFL (RAD51L3-RFFL readthrough; minus strand). Cytogenetic location: 17q12.
Variant type: single nucleotide variant.
Coding change: c.903+9G>A on transcript NM_002878.4 (MANE Select); 9 bases into the intron after coding-DNA position 903, G replaced by A.
Molecular consequence: intron variant.
Genome position (GRCh38, 1-based): chr17:35,101,192, C>T on the plus strand (G>A on the coding strand, the complement: RAD51D is on the minus strand). VCF-style: chr17-35101192-C-T. GRCh37 (hg19) VCF-style: chr17-33428211-C-T.
Other names: c.567+9G>A (NM_133629.3); c.963+9G>A (NM_001142571.2).
Identifiers: ClinVar variation 1608666 (VCV001608666.9), dbSNP rs2142410729, ClinGen allele CA2573153480.

ClinVar aggregate classification (germline): Likely benign. Review status: criteria provided, multiple submitters, no conflicts (2 of 4 stars). 2 submissions from 2 submitters: Likely benign (2). Last evaluated 2025-02-25.

Conditions:
Breast-ovarian cancer, familial, susceptibility to, 4. Identifiers: Orphanet 145, MedGen C3280345, MONDO:0013669, OMIM 614291.

Submissions (2):

Myriad Genetics, Inc.
Classification: Likely benign for Breast-ovarian cancer, familial, susceptibility to, 4. Last evaluated: 2025-02-25. Review status: criteria provided, single submitter. Criteria: Myriad Autosomal Dominant, Autosomal Recessive and X-Linked Classification Criteria (2023). Collection method: clinical testing. Allele origin: unknown.
Comment: This variant is considered likely benign. This variant is intronic and is not expected to impact mRNA splicing.

Labcorp Genetics (formerly Invitae), Labcorp
Classification: Likely benign for Breast-ovarian cancer, familial, susceptibility to, 4. Last evaluated: 2021-11-22. Review status: criteria provided, single submitter. Criteria: Invitae Variant Classification Sherloc (09022015). Collection method: clinical testing. Allele origin: germline.